The following is an entry in ClinVar:

ClinVar aggregate classification (germline): Uncertain significance (1 of 4 stars; one submission).

gnomAD v4.1: 1 of 1,603,394 alleles (0.000062%); highest among the groups gnomAD compares: Non-Finnish European, 0.000085%; no homozygotes.

Submission:

Women's Health and Genetics/Laboratory Corporation of America, LabCorp
Classification: Uncertain significance. Last evaluated: 2025-03-31. Review status: criteria provided, single submitter. Criteria: LabCorp Variant Classification Summary - May 2015. Collection method: clinical testing. Allele origin: germline.
Comment: Variant summary: PRR12 c.1778T>G (p.Val593Gly) results in a non-conservative amino acid change in the encoded protein sequence. Three of five in-silico tools predict a damaging effect of the variant on protein function. The variant was absent in 1603394 control chromosomes. The available data on variant occurrences in the general population are insufficient to allow any conclusion about variant significance. To our knowledge, no occurrence of c.1778T>G in individuals affected with Neuroocular Syndrome and no experimental evidence demonstrating its impact on protein function have been reported. No submitters have cited clinical-significance assessments for this variant to ClinVar. Based on the evidence outlined above, the variant was classified as uncertain significance.

NM_020719.3(PRR12):c.1778T>G (p.Val593Gly)

Gene: PRR12 (proline rich 12; plus strand). Cytogenetic location: 19q13.33.
Variant type: single nucleotide variant.
Coding change: c.1778T>G on transcript NM_020719.3 (MANE Select); coding-DNA position 1778, T replaced by G.
Protein change: p.Val593Gly; replaces valine 593 with glycine.
Molecular consequence: missense variant.
Genome position (GRCh38, 1-based): chr19:49,596,113, T>G. VCF-style: chr19-49596113-T-G. GRCh37 (hg19) VCF-style: chr19-50099370-T-G.
Other names: short protein forms V593G.
Identifiers: ClinVar variation 3896044 (VCV003896044.1).